The following is an entry in ClinVar:

NM_004431.5(EPHA2):c.1941G>A (p.Thr647=)

Gene: EPHA2 (EPH receptor A2; minus strand). Cytogenetic location: 1p36.13.
Variant type: single nucleotide variant.
Coding change: c.1941G>A on transcript NM_004431.5 (MANE Select); coding-DNA position 1941, G replaced by A.
Protein change: p.Thr647=; no amino-acid change (threonine 647 retained).
Molecular consequence: synonymous variant.
Genome position (GRCh38, 1-based): chr1:16,133,292, C>T on the plus strand (G>A on the coding strand, the complement: EPHA2 is on the minus strand). VCF-style: chr1-16133292-C-T. GRCh37 (hg19) VCF-style: chr1-16459787-C-T.
Other names: c.1779G>A, p.Thr593= (NM_001329090.2).
Identifiers: ClinVar variation 3351880 (VCV003351880.2).

ClinVar aggregate classification (germline): Likely benign. Review status: criteria provided, single submitter (1 of 4 stars). 2 submissions from 2 submitters: Likely benign (1). 1 of the submissions does not count toward it. Last evaluated 2021-06-21.

Conditions:
EPHA2-related disorder. Also called: EPHA2-related condition.

gnomAD v4.1: 15 of 1,613,860 alleles (0.00093%); highest among the groups gnomAD compares: South Asian, 0.0033%; 1 homozygote.

Submissions (2):

Blueprint Genetics
Classification: Likely benign. Last evaluated: 2021-06-21. Review status: criteria provided, single submitter. Criteria: ACMG Guidelines, 2015. Collection method: clinical testing. Allele origin: germline.

PreventionGenetics, part of Exact Sciences
Classification: Likely benign for EPHA2-related condition. Last evaluated: 2019-06-26. Review status: no assertion criteria provided. Collection method: clinical testing. Allele origin: germline. Not counted in ClinVar's aggregate classification.
Comment: This variant is classified as likely benign based on ACMG/AMP sequence variant interpretation guidelines (Richards et al. 2015 PMID: 25741868, with internal and published modifications).